The following is an entry in ClinVar:

ClinVar aggregate classification (germline): Uncertain significance (1 of 4 stars; one submission).

gnomAD v4.1: 2 of 1,613,418 alleles (0.00012%); highest among the groups gnomAD compares: Non-Finnish European, 0.00017%; no homozygotes.

Submission:

Ambry Genetics
Classification: Uncertain significance. Last evaluated: 2024-08-21. Review status: criteria provided, single submitter. Criteria: Ambry Variant Classification Scheme 2023. Collection method: clinical testing. Allele origin: germline.
Comment: The p.I197M variant (also known as c.591A>G), located in coding exon 7 of the BUB1 gene, results from an A to G substitution at nucleotide position 591. The isoleucine at codon 197 is replaced by methionine, an amino acid with highly similar properties. This amino acid position is conserved. In addition, this alteration is predicted to be tolerated by in silico analysis. Based on the available evidence, the clinical significance of this variant remains unclear.

NM_004336.5(BUB1):c.591A>G (p.Ile197Met)

Gene: BUB1 (BUB1 mitotic checkpoint serine/threonine kinase; minus strand). Cytogenetic location: 2q13.
Variant type: single nucleotide variant.
Coding change: c.591A>G on transcript NM_004336.5 (MANE Select); coding-DNA position 591, A replaced by G.
Protein change: p.Ile197Met; replaces isoleucine 197 with methionine.
Molecular consequence: missense variant.
Genome position (GRCh38, 1-based): chr2:110,667,826, T>C on the plus strand (A>G on the coding strand, the complement: BUB1 is on the minus strand). VCF-style: chr2-110667826-T-C. GRCh37 (hg19) VCF-style: chr2-111425403-T-C.
Other names: c.531A>G, p.Ile177Met (NM_001278616.2); c.591A>G, p.Ile197Met (NM_001278617.2); short protein forms I177M, I197M.
Identifiers: ClinVar variation 3482992 (VCV003482992.1).